The following is an entry in ClinVar:

ClinVar aggregate classification (germline): Uncertain significance (1 of 4 stars; one submission).

Conditions:
Cardiovascular phenotype. Identifiers: MedGen CN230736.

Allele frequency attached by ClinVar (database versions not stated): gnomAD exomes 0.00001.
gnomAD v4.1: 15 of 1,610,790 alleles (0.00093%); highest among the groups gnomAD compares: South Asian, 0.0022%; no homozygotes.

Submission:

Ambry Genetics
Classification: Uncertain significance for Cardiovascular phenotype. Last evaluated: 2025-02-04. Review status: criteria provided, single submitter. Criteria: Ambry Variant Classification Scheme 2023. Collection method: clinical testing. Allele origin: germline.
Comment: The p.P488T variant (also known as c.1462C>A), located in coding exon 7 of the MYPN gene, results from a C to A substitution at nucleotide position 1462. The proline at codon 488 is replaced by threonine, an amino acid with highly similar properties. This amino acid position is highly conserved in available vertebrate species. In addition, the in silico prediction for this alteration is inconclusive. Since supporting evidence is limited at this time, the clinical significance of this alteration remains unclear.

NM_032578.4(MYPN):c.1462C>A (p.Pro488Thr)

Gene: MYPN (myopalladin; plus strand). Cytogenetic location: 10q21.3.
Variant type: single nucleotide variant.
Coding change: c.1462C>A on transcript NM_032578.4 (MANE Select); coding-DNA position 1462, C replaced by A.
Protein change: p.Pro488Thr; replaces proline 488 with threonine.
Molecular consequence: missense variant. On other transcripts: non-coding transcript variant (1).
Genome position (GRCh38, 1-based): chr10:68,161,731, C>A. VCF-style: chr10-68161731-C-A. GRCh37 (hg19) VCF-style: chr10-69921488-C-A.
Other names: c.1462C>A, p.Pro488Thr (NM_001256267.2); c.580C>A, p.Pro194Thr (NM_001256268.2); short protein forms P488T, P194T.
Identifiers: ClinVar variation 1773181 (VCV001773181.3), dbSNP rs1472569286, ClinGen allele CA376835967.